The following is an entry in ClinVar:

NM_001298.3(CNGA3):c.1201T>C (p.Ser401Pro)

Gene: CNGA3 (cyclic nucleotide gated channel subunit alpha 3; plus strand). Cytogenetic location: 2q11.2.
Variant type: single nucleotide variant.
Coding change: c.1201T>C on transcript NM_001298.3 (MANE Select); coding-DNA position 1201, T replaced by C.
Protein change: p.Ser401Pro; replaces serine 401 with proline.
Molecular consequence: missense variant.
Genome position (GRCh38, 1-based): chr2:98,396,371, T>C. VCF-style: chr2-98396371-T-C. GRCh37 (hg19) VCF-style: chr2-99012834-T-C.
Other names: c.1147T>C, p.Ser383Pro (NM_001079878.2); short protein forms S401P, S383P.
Identifiers: ClinVar variation 1444626 (VCV001444626.9), dbSNP rs916035276, ClinGen allele CA52635522.

ClinVar aggregate classification (germline): Pathogenic. Review status: criteria provided, multiple submitters, no conflicts (2 of 4 stars). 3 submissions from 3 submitters: Pathogenic (3). Last evaluated 2025-11-18.

Conditions:
Achromatopsia 2 (ACHM2). Also called: COLORBLINDNESS, TOTAL; ROD MONOCHROMACY 2; ROD MONOCHROMATISM 2. Identifiers: Orphanet 49382, MedGen C1857618, MONDO:0009003, OMIM 216900.
CNGA3-related disorders.

Allele frequency attached by ClinVar (database versions not stated): gnomAD exomes below 0.00001.

Submissions (3):

Labcorp Genetics (formerly Invitae), Labcorp
Classification: Pathogenic. Last evaluated: 2025-11-18. Review status: criteria provided, single submitter. Criteria: Invitae Variant Classification Sherloc (09022015). Collection method: clinical testing. Allele origin: germline.
Comment: This sequence change replaces serine, which is neutral and polar, with proline, which is neutral and non-polar, at codon 401 of the CNGA3 protein (p.Ser401Pro). This variant is present in population databases (no rsID available, gnomAD 0.0009%). This missense change has been observed in individual(s) with achromatopsia and/or cone-rod dystrophy (PMID: 15712225, 30711023, 35119454). In at least one individual the data is consistent with being in trans (on the opposite chromosome) from a pathogenic variant. ClinVar contains an entry for this variant (Variation ID: 1444626). Invitae Evidence Modeling of protein sequence and biophysical properties (such as structural, functional, and spatial information, amino acid conservation, physicochemical variation, residue mobility, and thermodynamic stability) has been performed for this missense variant. However, the output from this modeling did not meet the statistical confidence thresholds required to predict the impact of this variant on CNGA3 protein function. For these reasons, this variant has been classified as Pathogenic.

Women's Health and Genetics/Laboratory Corporation of America, LabCorp
Classification: Pathogenic for Achromatopsia 2. Last evaluated: 2024-11-26. Review status: criteria provided, single submitter. Criteria: LabCorp Variant Classification Summary - May 2015. Collection method: clinical testing. Allele origin: germline.
Comment: Variant summary: CNGA3 c.1201T>C (p.Ser401Pro) results in a non-conservative amino acid change in the encoded protein sequence. Five of five in-silico tools predict a damaging effect of the variant on protein function. The variant allele was found at a frequency of 4e-06 in 250344 control chromosomes. c.1201T>C has been reported in the literature in multiple individuals affected with cone-rod dystrophy and achromatopsia (e.g, Del Pozo-Valero_2022, Nishiguchi_2005, Sun_2019). These data indicate that the variant is very likely to be associated with disease. The following publications have been ascertained in the context of this evaluation (PMID: 35119454, 15712225, 30711023). ClinVar contains an entry for this variant (Variation ID: 1444626). Based on the evidence outlined above, the variant was classified as pathogenic.

Blueprint Genetics
Classification: Pathogenic for CNGA3-related disorders. Last evaluated: 2017-09-25. Review status: criteria provided, single submitter. Criteria: ACMG Guidelines, 2015. Collection method: clinical testing. Allele origin: germline. Affected: yes. Observed: 1 variant allele.

Literature cited by the submitters: PubMed 15712225 (cited by Labcorp Genetics (formerly Invitae), Labcorp and Women's Health and Genetics/Laboratory Corporation of America, LabCorp); PubMed 30711023 (cited by Labcorp Genetics (formerly Invitae), Labcorp and Women's Health and Genetics/Laboratory Corporation of America, LabCorp); PubMed 35119454 (cited by Labcorp Genetics (formerly Invitae), Labcorp and Women's Health and Genetics/Laboratory Corporation of America, LabCorp).